The following is an entry in ClinVar:

NM_017514.5(PLXNA3):c.1934T>C (p.Met645Thr)

Gene: PLXNA3 (plexin A3; plus strand). Cytogenetic location: Xq28.
Variant type: single nucleotide variant.
Coding change: c.1934T>C on transcript NM_017514.5 (MANE Select); coding-DNA position 1934, T replaced by C.
Protein change: p.Met645Thr; replaces methionine 645 with threonine.
Molecular consequence: missense variant.
Genome position (GRCh38, 1-based): chrX:154,464,759, T>C. VCF-style: chrX-154464759-T-C. GRCh37 (hg19) VCF-style: chrX-153693102-T-C.
Other names: c.1934T>C (NM_017514.3); short protein forms M645T.
Identifiers: ClinVar variation 3055168 (VCV003055168.3), dbSNP rs202053669, ClinGen allele CA10564230.
Genomic context (GRCh38, chrX:154,464,759, plus strand): 5'-GCAGTGAGGGGCAGTGCAGCCTCCTCTGTTATTTCTGAAGCCACTTCCCCCCCAGGTGCA[T>C]GTCCTGTGTTGGCAGCCCTTACCCCTGCCACTGGTGTAAGTACCGCCACACGTGTACCAG-3'
Protein context (NP_059984.3, residues 635-655): FYNCSVLQSC[Met645Thr]SCVGSPYPCH

ClinVar aggregate classification (germline): Uncertain significance. Review status: criteria provided, single submitter (1 of 4 stars). 2 submissions from 2 submitters: Uncertain significance (1). 1 of the submissions does not count toward it. Last evaluated 2025-01-07.

Conditions:
PLXNA3-related disorder. Also called: PLXNA3-related condition.

Allele frequency attached by ClinVar (database versions not stated): TOPMed 0.00003; gnomAD 0.00004; gnomAD exomes 0.00004; ExAC 0.00010.
gnomAD v4.1: 43 of 1,167,401 alleles (0.0037%); highest among the groups gnomAD compares: Non-Finnish European, 0.0044%; no homozygotes.

Submissions (2):

Ambry Genetics
Classification: Uncertain significance. Last evaluated: 2025-01-07. Review status: criteria provided, single submitter. Criteria: Ambry Variant Classification Scheme 2023. Collection method: clinical testing. Allele origin: germline.

PreventionGenetics, part of Exact Sciences
Classification: Uncertain significance for PLXNA3-related condition. Last evaluated: 2024-09-04. Review status: no assertion criteria provided. Collection method: clinical testing. Allele origin: germline. Not counted in ClinVar's aggregate classification.
Comment: The PLXNA3 c.1934T>C variant is predicted to result in the amino acid substitution p.Met645Thr. To our knowledge, this variant has not been reported in the literature. This variant is reported in 0.0060% of alleles in individuals of European (Non-Finnish) descent in gnomAD, including 1 hemizygous individual. At this time, the clinical significance of this variant is uncertain due to the absence of conclusive functional and genetic evidence.